The following is an entry in ClinVar:

ClinVar aggregate classification (germline): Conflicting classifications of pathogenicity. Review status: criteria provided, conflicting classifications (1 of 4 stars). 3 submissions from 3 submitters: Uncertain significance (2); Likely benign (1). Last evaluated 2026-01-25.

Conditions:
Primary ciliary dyskinesia. Also called: Ciliary dyskinesia. Identifiers: Orphanet 244, MedGen C0008780, MONDO:0016575, HP:0012265.

Allele frequency attached by ClinVar (database versions not stated): gnomAD exomes 0.00006 and 0.00017; ExAC 0.00021; 1000 Genomes Project 30x 0.00031; 1000 Genomes Project 0.00040; gnomAD 0.00076 and 0.00082; TOPMed 0.00092; ESP Exome Variant Server 0.00123.
gnomAD v4.1: 200 of 1,614,166 alleles (0.012%); highest among the groups gnomAD compares: African/African-American, 0.25%; no homozygotes.

Submissions (3):

Labcorp Genetics (formerly Invitae), Labcorp
Classification: Likely benign for Primary ciliary dyskinesia. Last evaluated: 2026-01-25. Review status: criteria provided, single submitter. Criteria: Invitae Variant Classification Sherloc (09022015). Collection method: clinical testing. Allele origin: germline.

GeneDx
Classification: Uncertain significance. Last evaluated: 2025-06-05. Review status: criteria provided, single submitter. Criteria: GeneDx Variant Classification Process June 2021. Collection method: clinical testing. Allele origin: germline. Affected: yes.
Comment: In silico analysis supports that this missense variant has a deleterious effect on protein structure/function; Has not been previously published as pathogenic or benign to our knowledge

Blueprint Genetics
Classification: Uncertain significance. Last evaluated: 2023-06-06. Review status: criteria provided, single submitter. Criteria: ACMG Guidelines, 2015. Collection method: clinical testing. Allele origin: germline.

NM_145038.5(DRC1):c.1093G>A (p.Glu365Lys)

Gene: DRC1 (dynein regulatory complex subunit 1; plus strand). Cytogenetic location: 2p23.3.
Variant type: single nucleotide variant.
Coding change: c.1093G>A on transcript NM_145038.5 (MANE Select); coding-DNA position 1093, G replaced by A.
Protein change: p.Glu365Lys; replaces glutamic acid 365 with lysine.
Molecular consequence: missense variant.
Genome position (GRCh38, 1-based): chr2:26,444,286, G>A. VCF-style: chr2-26444286-G-A. GRCh37 (hg19) VCF-style: chr2-26667154-G-A.
Other names: short protein forms E365K.
Identifiers: ClinVar variation 454975 (VCV000454975.14), dbSNP rs35094910, ClinGen allele CA1562134.